The following is an entry in ClinVar:

NM_006031.6(PCNT):c.3716G>A (p.Arg1239His)

Gene: PCNT (pericentrin; plus strand). Cytogenetic location: 21q22.3.
Variant type: single nucleotide variant.
Coding change: c.3716G>A on transcript NM_006031.6 (MANE Select); coding-DNA position 3716, G replaced by A.
Protein change: p.Arg1239His; replaces arginine 1239 with histidine.
Molecular consequence: missense variant.
Genome position (GRCh38, 1-based): chr21:46,389,307, G>A. VCF-style: chr21-46389307-G-A. GRCh37 (hg19) VCF-style: chr21-47809222-G-A.
Other names: c.3362G>A, p.Arg1121His (NM_001315529.2); short protein forms R1239H, R1121H.
Identifiers: ClinVar variation 340486 (VCV000340486.18), dbSNP rs201315836, ClinGen allele CA10079424.

ClinVar aggregate classification (germline): Conflicting classifications of pathogenicity. Review status: criteria provided, conflicting classifications (1 of 4 stars). 6 submissions from 6 submitters: Uncertain significance (3); Likely benign (1). 2 of the submissions do not count toward it. Last evaluated 2025-12-30.

Conditions:
Microcephalic osteodysplastic primordial dwarfism type II (MOPD2). Also called: Microcephalic osteodysplastic primordial dwarfism with tooth abnormalities; MOPD II; OSTEODYSPLASTIC PRIMORDIAL DWARFISM, TYPE II. Identifiers: Orphanet 2637, MedGen C0432246, MONDO:0008872, OMIM 210720.
Microcephaly. Also called: Microcephaly (disease). Identifiers: MedGen C4551563, MONDO:0001149, HP:0000252.
PCNT-related disorder. Also called: PCNT-related condition.

Allele frequency attached by ClinVar (database versions not stated): gnomAD 0.00005 and 0.00009; TOPMed 0.00008; 1000 Genomes Project 30x 0.00047; 1000 Genomes Project 0.00060.
gnomAD v4.1: 217 of 1,614,252 alleles (0.013%); highest among the groups gnomAD compares: East Asian, 0.46%; no homozygotes.

Submissions (6):

Labcorp Genetics (formerly Invitae), Labcorp
Classification: Likely benign. Last evaluated: 2025-12-30. Review status: criteria provided, single submitter. Criteria: Invitae Variant Classification Sherloc (09022015). Collection method: clinical testing. Allele origin: germline.

Blueprint Genetics
Classification: Uncertain significance. Last evaluated: 2024-06-20. Review status: criteria provided, single submitter. Criteria: ACMG Guidelines, 2015. Collection method: clinical testing. Allele origin: germline.

Fulgent Genetics
Classification: Uncertain significance for Microcephalic osteodysplastic primordial dwarfism type II. Last evaluated: 2024-04-26. Review status: criteria provided, single submitter. Criteria: ACMG Guidelines, 2015. Collection method: clinical testing. Allele origin: germline.

Illumina Laboratory Services, Illumina
Classification: Uncertain significance for Microcephalic osteodysplastic primordial dwarfism type II. Last evaluated: 2018-01-12. Review status: criteria provided, single submitter. Criteria: ICSL Variant Classification Criteria 13 December 2019. Collection method: clinical testing. Allele origin: germline.

PreventionGenetics, part of Exact Sciences
Classification: Likely benign for PCNT-related condition. Last evaluated: 2022-03-17. Review status: no assertion criteria provided. Collection method: clinical testing. Allele origin: germline. Not counted in ClinVar's aggregate classification.
Comment: This variant is classified as likely benign based on ACMG/AMP sequence variant interpretation guidelines (Richards et al. 2015 PMID: 25741868, with internal and published modifications).

Department of Pediatrics, Samsung Medical Center, Samsung Medical Center
Classification: Uncertain significance for Microcephaly. Review status: no assertion criteria provided. Criteria: ACMG Guidelines, 2015. Collection method: research. Allele origin: germline. Affected: yes. Not counted in ClinVar's aggregate classification.